The following is an entry in ClinVar:

ClinVar aggregate classification (germline): Uncertain significance (1 of 4 stars; one submission).

Conditions:
Neurodevelopmental disorder with or without hyperkinetic movements and seizures, autosomal dominant. Also called: Intellectual disability, autosomal dominant 8. Identifiers: MedGen C3280282, MONDO:0013655, OMIM 614254.

Submission:

Labcorp Genetics (formerly Invitae), Labcorp
Classification: Uncertain significance for Neurodevelopmental disorder with or without hyperkinetic movements and seizures, autosomal dominant. Last evaluated: 2023-07-26. Review status: criteria provided, single submitter. Criteria: Invitae Variant Classification Sherloc (09022015). Collection method: clinical testing. Allele origin: germline.
Comment: In summary, the available evidence is currently insufficient to determine the role of this variant in disease. Therefore, it has been classified as a Variant of Uncertain Significance. This sequence change replaces glycine, which is neutral and non-polar, with tryptophan, which is neutral and slightly polar, at codon 333 of the GRIN1 protein (p.Gly333Trp). This variant is not present in population databases (gnomAD no frequency). This variant has not been reported in the literature in individuals affected with GRIN1-related conditions. Advanced modeling of protein sequence and biophysical properties (such as structural, functional, and spatial information, amino acid conservation, physicochemical variation, residue mobility, and thermodynamic stability) has been performed at Invitae for this missense variant, however the output from this modeling did not meet the statistical confidence thresholds required to predict the impact of this variant on GRIN1 protein function.

NM_007327.4(GRIN1):c.997G>T (p.Gly333Trp)

Gene: GRIN1 (glutamate ionotropic receptor NMDA type subunit 1; plus strand). Cytogenetic location: 9q34.3.
Variant type: single nucleotide variant.
Coding change: c.997G>T on transcript NM_007327.4 (MANE Select); coding-DNA position 997, G replaced by T.
Protein change: p.Gly333Trp; replaces glycine 333 with tryptophan.
Molecular consequence: missense variant.
Genome position (GRCh38, 1-based): chr9:137,158,407, G>T. VCF-style: chr9-137158407-G-T. GRCh37 (hg19) VCF-style: chr9-140052859-G-T.
Other names: c.997G>T, p.Gly333Trp (NM_000832.7, NM_021569.4); c.1060G>T, p.Gly354Trp (NM_001185090.2, NM_001185091.2); short protein forms G354W, G333W.
Identifiers: ClinVar variation 2835010 (VCV002835010.3), dbSNP rs2538607996, ClinGen allele CA375715351.